The following is an entry in ClinVar:

NM_000878.5(IL2RB):c.389-11G>C

Gene: IL2RB (interleukin 2 receptor subunit beta; minus strand). Cytogenetic location: 22q12.3.
Variant type: single nucleotide variant.
Coding change: c.389-11G>C on transcript NM_000878.5 (MANE Select); 11 bases into the intron before coding-DNA position 389, G replaced by C.
Molecular consequence: intron variant.
Genome position (GRCh38, 1-based): chr22:37,137,746, C>G on the plus strand (G>C on the coding strand, the complement: IL2RB is on the minus strand). VCF-style: chr22-37137746-C-G. GRCh37 (hg19) VCF-style: chr22-37533786-C-G.
Other names: c.389-11G>C (NM_001346222.1, NM_001346223.2).
Identifiers: ClinVar variation 1168139 (VCV001168139.15), dbSNP rs228957, ClinGen allele CA10216626.
Genomic context (GRCh38, chr22:37,137,746, plus strand): 5'-GTGGGTCTCCACGTGGACAACTTGGAGGGAGATGGGGGCCATCAGGCGAACTGGAGACAA[C>G]AGGGGGTAGGGGAGAGCAGTCAGCCATGACCTCCACCTCCCACTTTGTACCTGCCACTCC-3'

ClinVar aggregate classification (germline): Benign. Review status: criteria provided, multiple submitters, no conflicts (2 of 4 stars). 4 submissions from 4 submitters: Benign (4). Last evaluated 2026-02-04.

Conditions:
Immunodeficiency 63 with lymphoproliferation and autoimmunity. Also called: INTERLEUKIN 2 RECEPTOR, BETA, DEFICIENCY OF; IL2RB DEFICIENCY; CD122 DEFICIENCY. Identifiers: MedGen C5193126, MONDO:0032782, OMIM 618495.

Allele frequency attached by ClinVar (database versions not stated): gnomAD exomes 0.44792 and 0.45569; ExAC 0.45516; ESP Exome Variant Server 0.46971; TOPMed 0.47249; gnomAD 0.47725 and 0.47781; 1000 Genomes Project 30x 0.48954; 1000 Genomes Project 0.49221.
gnomAD v4.1: 722,080 of 1,604,108 alleles (45%); highest among the groups gnomAD compares: East Asian, 63%; 165,109 homozygotes.

Submissions (4):

Labcorp Genetics (formerly Invitae), Labcorp
Classification: Benign. Last evaluated: 2026-02-04. Review status: criteria provided, single submitter. Criteria: Invitae Variant Classification Sherloc (09022015). Collection method: clinical testing. Allele origin: germline.

Unidad de Genómica Garrahan, Hospital de Pediatría Garrahan
Classification: Benign. Last evaluated: 2024-01-24. Review status: criteria provided, single submitter. Criteria: ACMG Guidelines, 2015. Collection method: clinical testing. Allele origin: germline. Affected: no. Observed: 61 variant alleles.
Comment: This variant is classified as Benign based on local population frequency. This variant was detected in 69% of patients studied by a panel of primary immunodeficiencies. Number of patients: 61. Only high quality variants are reported.

Genome-Nilou Lab
Classification: Benign for Immunodeficiency 63 with lymphoproliferation and autoimmunity. Last evaluated: 2021-08-19. Review status: criteria provided, single submitter. Criteria: ACMG Guidelines, 2015. Collection method: clinical testing. Allele origin: germline. Affected: no.

Breakthrough Genomics
Classification: Benign. Review status: criteria provided, single submitter. Criteria: ACMG Guidelines, 2015. Collection method: not provided. Allele origin: germline. Inheritance: Autosomal recessive inheritance. Affected: yes.